The following is an entry in ClinVar:

ClinVar aggregate classification (germline): Uncertain significance (1 of 4 stars; one submission).

Allele frequency attached by ClinVar (database versions not stated): ExAC 0.00001; gnomAD exomes 0.00002; gnomAD 0.00004 and 0.00005; TOPMed 0.00006; ESP Exome Variant Server 0.00008.
gnomAD v4.1: 32 of 1,613,892 alleles (0.002%); highest among the groups gnomAD compares: African/African-American, 0.013%; no homozygotes.

Submission:

Labcorp Genetics (formerly Invitae), Labcorp
Classification: Uncertain significance. Last evaluated: 2025-09-23. Review status: criteria provided, single submitter. Criteria: Invitae Variant Classification Sherloc (09022015). Collection method: clinical testing. Allele origin: germline.
Comment: This sequence change replaces asparagine, which is neutral and polar, with serine, which is neutral and polar, at codon 505 of the CLCN6 protein (p.Asn505Ser). This variant is present in population databases (rs369720825, gnomAD 0.01%). This variant has not been reported in the literature in individuals affected with CLCN6-related conditions. ClinVar contains an entry for this variant (Variation ID: 1370336). An algorithm developed to predict the effect of missense changes on protein structure and function outputs the following: PolyPhen-2: "Benign". The serine amino acid residue is found in multiple mammalian species, which suggests that this missense change does not adversely affect protein function. In summary, the available evidence is currently insufficient to determine the role of this variant in disease. Therefore, it has been classified as a Variant of Uncertain Significance.

NM_001286.5(CLCN6):c.1514A>G (p.Asn505Ser)

Gene: CLCN6 (chloride voltage-gated channel 6; plus strand). Cytogenetic location: 1p36.22.
Variant type: single nucleotide variant.
Coding change: c.1514A>G on transcript NM_001286.5 (MANE Select); coding-DNA position 1514, A replaced by G.
Protein change: p.Asn505Ser; replaces asparagine 505 with serine.
Molecular consequence: missense variant. On other transcripts: non-coding transcript variant (1).
Genome position (GRCh38, 1-based): chr1:11,834,018, A>G. VCF-style: chr1-11834018-A-G. GRCh37 (hg19) VCF-style: chr1-11894075-A-G.
Other names: c.1448A>G, p.Asn483Ser (NM_001256959.2); short protein forms N505S, N483S.
Identifiers: ClinVar variation 1370336 (VCV001370336.6), dbSNP rs369720825, ClinGen allele CA596490.